The following is an entry in ClinVar:

NM_003072.5(SMARCA4):c.4171-1861A>G

Gene: SMARCA4 (SWI/SNF related BAF chromatin remodeling complex subunit ATPase 4; plus strand). Cytogenetic location: 19p13.2.
Variant type: single nucleotide variant.
Coding change: c.4171-1861A>G on transcript NM_003072.5 (MANE Select); 1861 bases into the intron before coding-DNA position 4171, A replaced by G.
Molecular consequence: intron variant.
Genome position (GRCh38, 1-based): chr19:11,039,446, A>G. VCF-style: chr19-11039446-A-G. GRCh37 (hg19) VCF-style: chr19-11150122-A-G.
Other names: c.4171-1861A>G (NM_001128844.3); c.4171-12A>G (NM_001128849.3); c.4072-1861A>G (NM_001128847.4, NM_001374457.1, NM_001128848.2); c.4072-1852A>G (NM_001128845.2, NM_001128846.2).
Identifiers: ClinVar variation 931823 (VCV000931823.11), dbSNP rs771462690, ClinGen allele CA9204625.
Genomic context (GRCh38, chr19:11,039,446, plus strand): 5'-AACAAGGGGAGGCTAAATTAGGGCACGTTGTGCACTGAAACACTAAACAGACATTAAAAA[A>G]TTTTGTTGTAGAAAATTACAGGAAAAGATATCCATGACACAGCCAGCAGTGTGGCACGTG-3'

ClinVar aggregate classification (germline): Conflicting classifications of pathogenicity. Review status: criteria provided, conflicting classifications (1 of 4 stars). 2 submissions from 2 submitters: Uncertain significance (1); Likely benign (1). Last evaluated 2025-08-21.

Conditions:
Rhabdoid tumor predisposition syndrome 2 (RTPS2). Identifiers: Orphanet 231108, Orphanet 69077, MedGen C2750074, MONDO:0013224, OMIM 613325.

Allele frequency attached by ClinVar (database versions not stated): gnomAD exomes below 0.00001; TOPMed below 0.00001; ExAC 0.00002.

Submissions (2):

Labcorp Genetics (formerly Invitae), Labcorp
Classification: Likely benign for Rhabdoid tumor predisposition syndrome 2. Last evaluated: 2025-08-21. Review status: criteria provided, single submitter. Criteria: Invitae Variant Classification Sherloc (09022015). Collection method: clinical testing. Allele origin: germline.

Centre for Mendelian Genomics, University Medical Centre Ljubljana
Classification: Uncertain significance for Rhabdoid tumor predisposition syndrome 2. Last evaluated: 2020-03-26. Review status: criteria provided, single submitter. Criteria: ACMG Guidelines, 2015. Collection method: clinical testing. Allele origin: unknown. Affected: yes.
Comment: This variant was classified as: Uncertain significance. The available evidence on this variant's pathogenicity is insufficient or conflicting. The following ACMG criteria were applied in classifying this variant: PP3.